The following is an entry in ClinVar:

ClinVar aggregate classification (germline): Pathogenic. Review status: criteria provided, multiple submitters, no conflicts (2 of 4 stars). 6 submissions from 6 submitters: Pathogenic (6). Last evaluated 2025-01-13.

Conditions:
ALDH5A1-related disorder. Also called: ALDH5A1-related condition.
Succinate-semialdehyde dehydrogenase deficiency (SSADHD). Also called: Succinic Semialdehyde Dehydrogenase Deficiency; SSADH DEFICIENCY; GABA METABOLIC DEFECT; 4-HYDROXYBUTYRIC ACIDURIA. Identifiers: Orphanet 22, MedGen C0268631, MONDO:0010083, OMIM 271980.

Allele frequency attached by ClinVar (database versions not stated): gnomAD 0.00002 and 0.00003; TOPMed 0.00003; gnomAD exomes 0.00004; ExAC 0.00019.
gnomAD v4.1: 52 of 1,532,622 alleles (0.0034%); highest among the groups gnomAD compares: South Asian, 0.0083%; no homozygotes.

Submissions (6):

Labcorp Genetics (formerly Invitae), Labcorp
Classification: Pathogenic for Succinate-semialdehyde dehydrogenase deficiency. Last evaluated: 2025-01-13. Review status: criteria provided, single submitter. Criteria: Invitae Variant Classification Sherloc (09022015). Collection method: clinical testing. Allele origin: germline.
Comment: This sequence change replaces cysteine, which is neutral and slightly polar, with phenylalanine, which is neutral and non-polar, at codon 93 of the ALDH5A1 protein (p.Cys93Phe). This variant is present in population databases (rs765561257, gnomAD 0.01%). This missense change has been observed in individual(s) with succinate semialdehyde dehydrogenase deficiency (PMID: 14635103, 23430864). In at least one individual the data is consistent with being in trans (on the opposite chromosome) from a pathogenic variant. ClinVar contains an entry for this variant (Variation ID: 449408). Invitae Evidence Modeling of protein sequence and biophysical properties (such as structural, functional, and spatial information, amino acid conservation, physicochemical variation, residue mobility, and thermodynamic stability) has been performed for this missense variant. However, the output from this modeling did not meet the statistical confidence thresholds required to predict the impact of this variant on ALDH5A1 protein function. Experimental studies have shown that this missense change affects ALDH5A1 function (PMID: 14635103). For these reasons, this variant has been classified as Pathogenic.

Blueprint Genetics
Classification: Pathogenic for ALDH5A1-related disorders. Last evaluated: 2024-01-31. Review status: criteria provided, single submitter. Criteria: ACMG Guidelines, 2015. Collection method: clinical testing. Allele origin: germline. Affected: yes. Observed: 5 variant alleles.

GeneDx
Classification: Pathogenic. Last evaluated: 2023-08-25. Review status: criteria provided, single submitter. Criteria: GeneDx Variant Classification Process June 2021. Collection method: clinical testing. Allele origin: germline. Affected: yes.
Comment: Published functional studies of the C93F variant indicate an almost complete loss of enzyme activity, below 5% normal levels (Akaboshi et al., 2003); In silico analysis, which includes protein predictors and evolutionary conservation, supports that this variant does not alter protein structure/function; Not observed at a significant frequency in large population cohorts (gnomAD); This variant is associated with the following publications: (PMID: 27104484, 12555945, 32395407, 31589614, 31440721, 25558043, 14635103, 20973619, 20018576, 16442322, 17438226, 23430864, 30109838, 31267348, 33203024)

3billion
Classification: Pathogenic for Succinate-semialdehyde dehydrogenase deficiency. Last evaluated: 2023-02-23. Review status: criteria provided, single submitter. Criteria: ACMG Guidelines, 2015. Collection method: clinical testing. Allele origin: unknown. Affected: yes.
Comment: The variant is observed at an extremely low frequency in the gnomAD v2.1.1 dataset (total allele frequency: 0.004%). Functional studies provide strong evidence of the variant having a damaging effect on the gene or gene product (PMID: 14635103). In silico tool predictions suggest damaging effect of the variant on gene or gene product (REVEL: 0.64). Same nucleotide change resulting in same amino acid change has been previously reported as pathogenic/likely pathogenic with strong evidence (ClinVar ID: VCV000449408). The variant has been reported to be in trans with a pathogenic variant as either compound heterozygous or homozygous in at least 2 similarly affected unrelated individuals (PMID: 14635103, 17438226, 27104484). A different missense change at the same codon (p.Cys93Arg) has been reported to be associated with ALDH5A1 related disorder (PMID: 32402538). Therefore, this variant is classified as Pathogenic according to the recommendation of ACMG/AMP guideline.

Elsea Laboratory, Baylor College of Medicine
Classification: Pathogenic for Succinate-semialdehyde dehydrogenase deficiency. Last evaluated: 2021-03-08. Review status: criteria provided, single submitter. Criteria: Martin et al. (J Child Neurol. 2021). Collection method: curation. Allele origin: germline. Affected: yes.
Comment: enzyme activity ~3%; NAD binding domain

Fulgent Genetics
Classification: Pathogenic for Succinate-semialdehyde dehydrogenase deficiency. Last evaluated: 2018-10-31. Review status: criteria provided, single submitter. Criteria: ACMG Guidelines, 2015. Collection method: clinical testing. Allele origin: unknown.

Literature cited by the submitters: PubMed 14635103 (cited by 3 submitters); PubMed 23430864 (cited by Labcorp Genetics (formerly Invitae), Labcorp and Elsea Laboratory, Baylor College of Medicine); PubMed 17438226 (cited by 3billion); PubMed 32402538 (cited by 3billion); PubMed 27104484 (cited by 3billion); PubMed 33203024 (cited by Elsea Laboratory, Baylor College of Medicine).

NM_001080.3(ALDH5A1):c.278G>T (p.Cys93Phe)

Genes: ALDH5A1 (aldehyde dehydrogenase 5 family member A1; plus strand), GPLD1 (glycosylphosphatidylinositol specific phospholipase D1; minus strand), LOC129995978 (ATAC-STARR-seq lymphoblastoid silent region 16989; plus strand). Cytogenetic location: 6p22.3.
Variant type: single nucleotide variant.
Coding change: c.278G>T on transcript NM_001080.3 (MANE Select); coding-DNA position 278, G replaced by T.
Protein change: p.Cys93Phe; replaces cysteine 93 with phenylalanine.
Molecular consequence: missense variant.
Genome position (GRCh38, 1-based): chr6:24,495,274, G>T. VCF-style: chr6-24495274-G-T. GRCh37 (hg19) VCF-style: chr6-24495502-G-T.
Other names: c.278G>T, p.Cys93Phe (NM_001368954.1, NM_170740.1); short protein forms C93F.
Identifiers: ClinVar variation 449408 (VCV000449408.18), dbSNP rs765561257, ClinGen allele CA3656579.
Genomic context (GRCh38, chr6:24,495,274, plus strand): 5'-CCGCCACCTTCCCCGTGCAAGACCCGGCCAGCGGCGCCGCTCTGGGCATGGTAGCCGACT[G>T]CGGGGTGCGAGAGGCCCGCGCCGCCGTGCGCGCTGCCTACGAGGCTTTCTGCCGCTGGAG-3'
Protein context (NP_001071.1, residues 83-103): SGAALGMVAD[Cys93Phe]GVREARAAVR